The following is an entry in ClinVar:

NM_033395.2(CEP295):c.2736A>G (p.Glu912=)

Gene: CEP295 (centrosomal protein 295; plus strand). Cytogenetic location: 11q21.
Variant type: single nucleotide variant.
Coding change: c.2736A>G on transcript NM_033395.2 (MANE Select); coding-DNA position 2736, A replaced by G.
Protein change: p.Glu912=; no amino-acid change (glutamic acid 912 retained).
Molecular consequence: synonymous variant.
Genome position (GRCh38, 1-based): chr11:93,697,648, A>G. VCF-style: chr11-93697648-A-G. GRCh37 (hg19) VCF-style: chr11-93430814-A-G.
Identifiers: ClinVar variation 4534723 (VCV004534723.6).

ClinVar aggregate classification (germline): Likely benign (1 of 4 stars; one submission).

gnomAD v4.1: 2 of 1,551,876 alleles (0.00013%); highest among the groups gnomAD compares: African/African-American, 0.0014%; no homozygotes.

Submission:

CeGaT Center for Human Genetics Tuebingen
Classification: Likely benign. Last evaluated: 2025-11-01. Review status: criteria provided, single submitter. Criteria: CeGaT Center For Human Genetics Tuebingen Variant Classification Criteria Version 2. Collection method: clinical testing. Allele origin: germline. Affected: yes. Observed: 1 variant allele.
Comment: CEP295: BP4, BP7